The following is an entry in ClinVar:

NM_144666.3(DNHD1):c.5737_5738insAT (p.Arg1913fs)

Gene: DNHD1 (dynein heavy chain domain 1; plus strand). Cytogenetic location: 11p15.4.
Variant type: Insertion.
Coding change: c.5737_5738insAT on transcript NM_144666.3 (MANE Select); coding-DNA positions 5737 to 5738, AT inserted.
Protein change: p.Arg1913fs; shifts the reading frame from arginine 1913.
Molecular consequence: frameshift variant.
Genome position: GRCh38 VCF-style: chr11-6546676-C-CAT. GRCh37 (hg19) VCF-style: chr11-6567906-C-CAT.
Other names: short protein forms R1913fs.
Identifiers: ClinVar variation 3051131 (VCV003051131.2), dbSNP rs1554888382, ClinGen allele CA5856073.

ClinVar aggregate classification (germline): Likely benign (0 of 4 stars; one submission).

Conditions:
DNHD1-related disorder. Also called: DNHD1-related condition.

Allele frequency attached by ClinVar (database versions not stated): 1000 Genomes Project 30x 0.00344.

Submission:

PreventionGenetics, part of Exact Sciences
Classification: Likely benign for DNHD1-related condition. Last evaluated: 2023-03-28. Review status: no assertion criteria provided. Collection method: clinical testing. Allele origin: germline.
Comment: This variant is classified as likely benign based on ACMG/AMP sequence variant interpretation guidelines (Richards et al. 2015 PMID: 25741868, with internal and published modifications).